The following is an entry in ClinVar:

NM_001267550.2(TTN):c.59849G>A (p.Arg19950Gln)

Genes: TTN (titin; minus strand), TTN-AS1 (TTN antisense RNA 1; plus strand), LOC126806424 (CDK7 strongly-dependent group 2 enhancer GRCh37_chr2:179456337-179457536; plus strand). Cytogenetic location: 2q31.2.
Variant type: single nucleotide variant.
Coding change: c.59849G>A on transcript NM_001267550.2 (MANE Select); coding-DNA position 59849, G replaced by A.
Protein change: p.Arg19950Gln; replaces arginine 19950 with glutamine.
Molecular consequence: missense variant.
Genome position (GRCh38, 1-based): chr2:178,592,055, C>T on the plus strand (G>A on the coding strand, the complement: TTN is on the minus strand). VCF-style: chr2-178592055-C-T. GRCh37 (hg19) VCF-style: chr2-179456782-C-T.
Other names: p.Arg17382Gln; c.54926G>A, p.Arg18309Gln (NM_001256850.1); c.32654G>A, p.Arg10885Gln (NM_003319.4); c.52145G>A, p.Arg17382Gln (NM_133378.4); c.33029G>A, p.Arg11010Gln (NM_133432.3); c.33230G>A, p.Arg11077Gln (NM_133437.4); short protein forms R17382Q, R19950Q, R11077Q, R18309Q, R10885Q, R11010Q.
Identifiers: ClinVar variation 263721 (VCV000263721.15), dbSNP rs374914334, ClinGen allele CA1992597.

ClinVar aggregate classification (germline): Conflicting classifications of pathogenicity. Review status: criteria provided, conflicting classifications (1 of 4 stars). 7 submissions from 7 submitters: Uncertain significance (5); Likely benign (2). Last evaluated 2026-03-09.

Conditions:
Cardiovascular phenotype. Identifiers: MedGen CN230736.
TTN-related disorder. Also called: TTN-related condition; TTN-related disease; TTN-related disorders.
Autosomal recessive limb-girdle muscular dystrophy type 2J (LGMDR10). Also called: MUSCULAR DYSTROPHY, LIMB-GIRDLE, AUTOSOMAL RECESSIVE 10; Limb-girdle muscular dystrophy, type 2J. Identifiers: Orphanet 140922, MedGen C1837342, MONDO:0012127, OMIM 608807.
Dilated cardiomyopathy 1G (CMD1G). Identifiers: Orphanet 154, MedGen C1858763, MONDO:0011400, OMIM 604145.

Allele frequency attached by ClinVar (database versions not stated): ExAC 0.00008; gnomAD exomes 0.00008; gnomAD 0.00009 and 0.00011; TOPMed 0.00012; ESP Exome Variant Server 0.00025.
gnomAD v4.1: 184 of 1,612,932 alleles (0.011%); highest among the groups gnomAD compares: East Asian, 0.17%; 1 homozygote.

Submissions (7):

PreventionGenetics, part of Exact Sciences
Classification: Uncertain significance for TTN-related condition. Last evaluated: 2026-03-09. Review status: criteria provided, single submitter. Criteria: ACMG Guidelines, 2015. Collection method: clinical testing. Allele origin: germline.
Comment: The TTN c.59849G>A variant is predicted to result in the amino acid substitution p.Arg19950Gln. To our knowledge, this variant has not been reported in the literature. This variant is reported in 0.031% of alleles in individuals of East Asian descent in gnomAD. Although we suspect that this variant may be benign, at this time, the clinical significance of this variant is uncertain due to the absence of conclusive functional and genetic evidence.

Blueprint Genetics
Classification: Likely benign. Last evaluated: 2024-05-28. Review status: criteria provided, single submitter. Criteria: ACMG Guidelines, 2015. Collection method: clinical testing. Allele origin: germline.

Mayo Clinic Laboratories, Mayo Clinic
Classification: Uncertain significance. Last evaluated: 2023-07-17. Review status: criteria provided, single submitter. Criteria: ACMG Guidelines, 2015. Collection method: clinical testing. Allele origin: germline. Observed: 1 variant allele.

GeneDx
Classification: Likely benign. Last evaluated: 2018-08-24. Review status: criteria provided, single submitter. Criteria: GeneDx Variant Classification Process June 2021. Collection method: clinical testing. Allele origin: germline. Affected: yes.
Comment: This variant is associated with the following publications: (PMID: 25417924)

Labcorp Genetics (formerly Invitae), Labcorp
Classification: Uncertain significance for Dilated cardiomyopathy 1G; Autosomal recessive limb-girdle muscular dystrophy type 2J. Last evaluated: 2017-12-15. Review status: criteria provided, single submitter. Criteria: Invitae Variant Classification Sherloc (09022015). Collection method: clinical testing. Allele origin: germline.

Eurofins Ntd Llc (ga)
Classification: Uncertain significance. Last evaluated: 2017-01-19. Review status: criteria provided, single submitter. Criteria: EGL Classification Definitions 2015. Collection method: clinical testing. Allele origin: germline. Observed: 1 variant allele, 1 heterozygote.

Ambry Genetics
Classification: Uncertain significance for Cardiovascular phenotype. Last evaluated: 2013-10-15. Review status: criteria provided, single submitter. Criteria: Ambry Autosomal Dominant and X-Linked criteria (10/2015). Collection method: clinical testing. Allele origin: germline. Observed: 1 variant allele.
Comment: The p.R17382Q variant (also known as c.52145G>A) is located in coding exon 250 of theTTNgene. This alteration results from a G to A substitution at nucleotide position 52145. The arginine at codon 17382 is replaced by glutamine, an amino acid with some similar properties. Ã¢â‚¬â€¹Based on data from the NHLBI Exome Sequencing Project (ESP), the A-allele has an overall frequency of approximately0.02% (3/12072), having been observed in0.08% (3/3812)of African American alleles, and not observed in 8260 European American alleles studied.This variant was not reported in the Database of Single Nucleotide Polymorphisms (dbSNP) or the 1000 Genomes Project. Based on protein sequence alignment, this amino acid position is highly conserved in available vertebrate species.In addition, this alteration is predicted to be probably damaging by PolyPhen in silico analysis.Since supporting evidence is limited at this time, the clinical significance of this variant remains unclear.Ã¢â‚¬â€¹